The following is an entry in ClinVar:

NM_000426.4(LAMA2):c.2416C>A (p.Pro806Thr)

Gene: LAMA2 (laminin subunit alpha 2; plus strand). Cytogenetic location: 6q22.33.
Variant type: single nucleotide variant.
Coding change: c.2416C>A on transcript NM_000426.4 (MANE Select); coding-DNA position 2416, C replaced by A.
Protein change: p.Pro806Thr; replaces proline 806 with threonine.
Molecular consequence: missense variant.
Genome position (GRCh38, 1-based): chr6:129,270,717, C>A. VCF-style: chr6-129270717-C-A. GRCh37 (hg19) VCF-style: chr6-129591862-C-A.
Other names: c.2416C>A, p.Pro806Thr (NM_001079823.2); short protein forms P806T.
Identifiers: ClinVar variation 1000509 (VCV001000509.10), dbSNP rs1249384455, ClinGen allele CA365609181.

ClinVar aggregate classification (germline): Uncertain significance (1 of 4 stars; one submission).

Conditions:
LAMA2-related muscular dystrophy (LAMA2-RD). Also called: Laminin alpha 2-related dystrophy. Identifiers: MedGen C5679788, MONDO:0100228.

Allele frequency attached by ClinVar (database versions not stated): gnomAD exomes below 0.00001; TOPMed below 0.00001.
gnomAD v4.1: 1 of 1,613,234 alleles (0.000062%); highest among the groups gnomAD compares: Admixed American, 0.0017%; no homozygotes.

Submission:

Labcorp Genetics (formerly Invitae), Labcorp
Classification: Uncertain significance for LAMA2-related muscular dystrophy. Last evaluated: 2020-01-30. Review status: criteria provided, single submitter. Criteria: Invitae Variant Classification Sherloc (09022015). Collection method: clinical testing. Allele origin: germline.
Comment: In summary, the available evidence is currently insufficient to determine the role of this variant in disease. Therefore, it has been classified as a Variant of Uncertain Significance. Algorithms developed to predict the effect of missense changes on protein structure and function (SIFT, PolyPhen-2, Align-GVGD) all suggest that this variant is likely to be tolerated, but these predictions have not been confirmed by published functional studies and their clinical significance is uncertain. This variant has not been reported in the literature in individuals with LAMA2-related conditions. This variant is not present in population databases (ExAC no frequency). This sequence change replaces proline with threonine at codon 806 of the LAMA2 protein (p.Pro806Thr). The proline residue is weakly conserved and there is a small physicochemical difference between proline and threonine.